The following is an entry in ClinVar:

ClinVar aggregate classification (germline): Uncertain significance. Review status: criteria provided, multiple submitters, no conflicts (2 of 4 stars). 2 submissions from 2 submitters: Uncertain significance (2). Last evaluated 2022-01-19.

Conditions:
Primary ciliary dyskinesia. Also called: Ciliary dyskinesia. Identifiers: Orphanet 244, MedGen C0008780, MONDO:0016575, HP:0012265.

Allele frequency attached by ClinVar (database versions not stated): TOPMed below 0.00001.

Submissions (2):

GeneDx
Classification: Uncertain significance. Last evaluated: 2022-01-19. Review status: criteria provided, single submitter. Criteria: GeneDx Variant Classification Process June 2021. Collection method: clinical testing. Allele origin: germline. Affected: yes.
Comment: Has not been previously published as pathogenic or benign to our knowledge; Not observed at significant frequency in large population cohorts (gnomAD); In silico analysis supports that this missense variant has a deleterious effect on protein structure/function

Labcorp Genetics (formerly Invitae), Labcorp
Classification: Uncertain significance for Primary ciliary dyskinesia. Last evaluated: 2020-08-14. Review status: criteria provided, single submitter. Criteria: Invitae Variant Classification Sherloc (09022015). Collection method: clinical testing. Allele origin: germline.
Comment: In summary, the available evidence is currently insufficient to determine the role of this variant in disease. Therefore, it has been classified as a Variant of Uncertain Significance. Algorithms developed to predict the effect of missense changes on protein structure and function are either unavailable or do not agree on the potential impact of this missense change (SIFT: "Deleterious"; PolyPhen-2: "Probably Damaging"; Align-GVGD: "Class C0"). This variant has not been reported in the literature in individuals with CCDC40-related conditions. This variant is not present in population databases (ExAC no frequency). This sequence change replaces aspartic acid with histidine at codon 629 of the CCDC40 protein (p.Asp629His). The aspartic acid residue is moderately conserved and there is a moderate physicochemical difference between aspartic acid and histidine.

NM_017950.4(CCDC40):c.1885G>C (p.Asp629His)

Gene: CCDC40 (coiled-coil domain 40 molecular ruler complex subunit; plus strand). Cytogenetic location: 17q25.3.
Variant type: single nucleotide variant.
Coding change: c.1885G>C on transcript NM_017950.4 (MANE Select); coding-DNA position 1885, G replaced by C.
Protein change: p.Asp629His; replaces aspartic acid 629 with histidine.
Molecular consequence: missense variant.
Genome position (GRCh38, 1-based): chr17:80,081,954, G>C. VCF-style: chr17-80081954-G-C. GRCh37 (hg19) VCF-style: chr17-78055753-G-C.
Other names: c.1885G>C, p.Asp629His (NM_001243342.2); short protein forms D629H.
Identifiers: ClinVar variation 1051973 (VCV001051973.11), dbSNP rs2038461062, ClinGen allele CA401339132.